The following is an entry in ClinVar:

NM_000226.4(KRT9):c.354_377dup (p.Gly126_Tyr127insSerGlyGlyGlyPheGlyGlyGly)

Gene: KRT9 (keratin 9; minus strand). Cytogenetic location: 17q21.2.
Variant type: Duplication.
Coding change: c.354_377dup on transcript NM_000226.4 (MANE Select); coding-DNA positions 354 to 377, 24 bases duplicated (TTCTGGAGGTGGCTTTGGTGGTGG).
Protein change: p.Gly126_Tyr127insSerGlyGlyGlyPheGlyGlyGly.
Genome position (GRCh38, 1-based): chr17:41,571,616-41,571,639, CCACCACCAAAGCCACCTCCAGAA duplicated on the plus strand (TTCTGGAGGTGGCTTTGGTGGTGG on the coding strand, the reverse complement: KRT9 is on the minus strand); duplicating any 24 consecutive bases within chr17:41,571,616-41,571,660 gives the same sequence; the c. name uses the placement nearest the transcript's 3' end. VCF-style (leftmost placement, unchanged base first): chr17-41571615-G-GCCACCACCAAAGCCACCTCCAGAA. GRCh37 (hg19) VCF-style: chr17-39727867-G-GCCACCACCAAAGCCACCTCCAGAA.
Identifiers: ClinVar variation 3055652 (VCV003055652.2), dbSNP rs1907085414, ClinGen allele CA983755384.

ClinVar aggregate classification (germline): Uncertain significance (0 of 4 stars; one submission).

Conditions:
KRT9-related disorder. Also called: KRT9-related condition.

Submission:

PreventionGenetics, part of Exact Sciences
Classification: Uncertain significance for KRT9-related condition. Last evaluated: 2024-02-19. Review status: no assertion criteria provided. Collection method: clinical testing. Allele origin: germline.
Comment: The KRT9 c.354_377dup24 variant is predicted to result in an in-frame duplication (p.Ser119_Gly126dup). To our knowledge, this variant has not been reported in the literature or in a large population database, indicating this variant is rare. At this time, the clinical significance of this variant is uncertain due to the absence of conclusive functional and genetic evidence.